The following is an entry in ClinVar:

ClinVar aggregate classification (germline): Likely pathogenic. Review status: reviewed by expert panel (3 of 4 stars). 5 submissions from 5 submitters: Likely pathogenic (1). 4 of the submissions do not count toward it. Last evaluated 2025-05-23.

Conditions:
Hereditary breast ovarian cancer syndrome. Also called: Hereditary breast and ovarian cancer syndrome; Hereditary breast and ovarian cancer; Hereditary breast and ovarian cancer syndrome (HBOC); Breast and ovarian cancer; Hereditary breast and/or ovarian cancer syndrome; BRCA1- and BRCA2-Associated Hereditary Breast and Ovarian Cancer. Identifiers: Orphanet 145, MedGen C0677776, MeSH D061325, MONDO:0003582. Disease mechanism: loss of function.
BRCA2-related cancer predisposition. Identifiers: MedGen CN377758, MONDO:0700269.
Hereditary cancer-predisposing syndrome. Also called: Neoplastic Syndromes, Hereditary; Tumor predisposition; Hereditary Cancer Syndrome; Hereditary neoplastic syndrome. Identifiers: Orphanet 140162, MedGen C0027672, MeSH D009386, MONDO:0015356.

Submissions (5):

ClinGen ENIGMA BRCA1 and BRCA2 Variant Curation Expert Panel, ClinGen
Classification: Likely pathogenic for BRCA2-related cancer predisposition. Last evaluated: 2025-05-23. Review status: reviewed by expert panel. Criteria: CSpec BRCA1/2ACMG Rules Specifications V1.2. Collection method: curation. Allele origin: germline. Inheritance: Autosomal dominant inheritance.
Comment: The c.7796A>G variant in BRCA2 is a missense variant predicted to cause substitution of Glutamic Acid by Glycine at amino acid 2599 (p.(Glu2599Gly)). This variant is absent from gnomAD v2.1 (exomes only, non-cancer subset, read depth ≥25) and gnomAD v3.1 (non-cancer subset, read depth ≥25) (PM2_Supporting met). This BRCA2 missense variant is within a key functional domain and the computational predictor BayesDel (noAF) gives a score of 0.36, above the recommended threshold of 0.30 for prediction of impact on BRCA2 function via protein change. A SpliceAI score of 0.06 predicts no impact on splicing (score threshold <0.10) (PP3 met). Reported by three calibrated studies to exhibit protein function similar to pathogenic control variants (PMIDs:38417439, 39779857, 39779848) (PS3 met). mRNA experimental analysis indicates no impact on splicing (PMID: 24123850), but is not applied as strong evidence against pathogenicity since missense impact has not been excluded (BP7_Strong (RNA) not met). This individual was compound heterozygous for the variant and a pathogenic or likely pathogenic variant (BRCA2:c.1813dup) which was confirmed to be in trans. Total points equated to 2 (PM3 met; PMIDs: 34504103, 33984160). In summary, this variant meets the criteria to be classified as a Likely pathogenic variant for BRCA2-related cancer predisposition based on the ACMG/AMP criteria applied as specified by the ENIGMA BRCA1/2 VCEP (PM2_Supporting, PS3, PP3, PM3).

Center for Genomic Medicine, Rigshospitalet, Copenhagen University Hospital
Classification: Likely pathogenic. Last evaluated: 2025-12-29. Review status: criteria provided, single submitter. Criteria: ACMG Guidelines, 2015. Collection method: clinical testing. Allele origin: germline. Not counted in ClinVar's aggregate classification.
Comment: Classification criteria: PS3, PP3, PM2_supporting, PM3

Ambry Genetics
Classification: Likely pathogenic for Hereditary cancer-predisposing syndrome. Last evaluated: 2024-10-10. Review status: criteria provided, single submitter. Criteria: Ambry Variant Classification Scheme 2023. Collection method: clinical testing. Allele origin: germline. Not counted in ClinVar's aggregate classification.
Comment: The p.E2599G variant (also known as c.7796A>G), located in coding exon 15 of the BRCA2 gene, results from an A to G substitution at nucleotide position 7796. The glutamic acid at codon 2599 is replaced by glycine, an amino acid with similar properties. This alteration was identified in an individual with another BRCA2 pathogenic mutation that presented with severe intolerance to chemotherapy and had abnormal results in chromosomal breakage analysis, however the individual did not present with fully penetrant Fanconi anemia (Castells-Roca, L. et al. NPJ Breast Cancer 2021 Sep;7(1):117.). Protein functional studies have determined this variant to be deleterious (Castells-Roca, L. et al. NPJ Breast Cancer 2021 Sep;7(1):117; Richardson, ME et al. Am J Hum Genet 2021 03;108(3):458-468; Hu C et al. Am J Hum Genet. 2024 Mar;111(3):584-593). This amino acid position is highly conserved in available vertebrate species. In addition, this alteration is predicted to be deleterious by in silico analysis. This variant is considered to be rare based on population cohorts in the Genome Aggregation Database (gnomAD). Based on the majority of available evidence to date, this variant is likely to be pathogenic. However, because this variant is identified in one or more patients with Fanconi anemia it may be hypomorphic and thus, carriers of this variant and their families may present with reduced risks, and not with the typical clinical characteristics of a high-risk pathogenic BRCA2 alteration. As risk estimates are unknown at this time, clinical correlation is advised.

Labcorp Genetics (formerly Invitae), Labcorp
Classification: Uncertain significance for Hereditary breast ovarian cancer syndrome. Last evaluated: 2024-05-27. Review status: criteria provided, single submitter. Criteria: Invitae Variant Classification Sherloc (09022015). Collection method: clinical testing. Allele origin: germline. Not counted in ClinVar's aggregate classification.
Comment: This sequence change replaces glutamic acid, which is acidic and polar, with glycine, which is neutral and non-polar, at codon 2599 of the BRCA2 protein (p.Glu2599Gly). This variant is not present in population databases (gnomAD no frequency). This missense change has been observed in individual(s) with breast cancer (PMID: 34504103). ClinVar contains an entry for this variant (Variation ID: 483130). Advanced modeling performed at Invitae incorporating data from internal and/or published experimental studies (PMID: 33609447) did not meet the statistical confidence thresholds required to predict the impact of this variant on BRCA2 function. Experimental studies are conflicting or provide insufficient evidence to determine the effect of this variant on BRCA2 function (PMID: 34504103). In summary, the available evidence is currently insufficient to determine the role of this variant in disease. Therefore, it has been classified as a Variant of Uncertain Significance.

Color Diagnostics, LLC DBA Color Health
Classification: Uncertain significance for Hereditary cancer-predisposing syndrome. Last evaluated: 2023-03-17. Review status: criteria provided, single submitter. Criteria: ACMG Guidelines, 2015. Collection method: clinical testing. Allele origin: germline. Not counted in ClinVar's aggregate classification.
Comment: This missense variant replaces glutamic acid with glycine at codon 2599 of the BRCA2 protein. Computational prediction suggests that this variant may have deleterious impact on protein structure and function (internally defined REVEL score threshold >= 0.7, PMID: 27666373). Functional studies have shown this variant results in loss of homology-directed DNA repair activity (PMID: 33609447). This variant has been reported in trans with a pathogenic frameshift variant in BRCA2 in an individual affected with early-onset breast cancer (PMID: 34504103). This individual was also diagnosed with Fanconi anemia by intermediate chromosome fragility, but lacked childhood-onset and congenital clinical features typical of classic Fanconi anemia (PMID: 34504103). A different variant affecting the same codon, c.7795_7797del (p.Glu2599del), is considered to be disease-causing (ClinVar variation ID: 52409), suggesting that Glu at this position is important for the protein function. This variant has not been identified in the general population by the Genome Aggregation Database (gnomAD). The available evidence is insufficient to determine the role of this variant in disease conclusively. Therefore, this variant is classified as a Variant of Uncertain Significance.

Literature cited by the submitters: PubMed 34504103 (cited by 4 submitters); PubMed 33609447 (cited by 4 submitters); PubMed 38417439 (cited by Center for Genomic Medicine, Rigshospitalet, Copenhagen University Hospital and Ambry Genetics); PubMed 39779857 (cited by Center for Genomic Medicine, Rigshospitalet, Copenhagen University Hospital); PubMed 39779848 (cited by Center for Genomic Medicine, Rigshospitalet, Copenhagen University Hospital).

NM_000059.4(BRCA2):c.7796A>G (p.Glu2599Gly)

Gene: BRCA2 (BRCA2 DNA repair associated; plus strand). Cytogenetic location: 13q13.1.
Variant type: single nucleotide variant.
Coding change: c.7796A>G on transcript NM_000059.4 (MANE Select); coding-DNA position 7796, A replaced by G.
Protein change: p.Glu2599Gly; replaces glutamic acid 2599 with glycine.
Molecular consequence: missense variant.
Genome position (GRCh38, 1-based): chr13:32,357,920, A>G. VCF-style: chr13-32357920-A-G. GRCh37 (hg19) VCF-style: chr13-32932057-A-G.
Other names: NM_000059.4(BRCA2):c.7796A>G; p.Glu2599Gly; short protein forms E2599G.
Identifiers: ClinVar variation 483130 (VCV000483130.25), dbSNP rs780715340, ClinGen allele CA387746086.